The following is an entry in ClinVar:

NM_024426.6(WT1):c.1448-4A>G

Gene: WT1 (WT1 transcription factor; minus strand). Cytogenetic location: 11p13.
Variant type: single nucleotide variant.
Coding change: c.1448-4A>G on transcript NM_024426.6 (MANE Select); 4 bases into the intron before coding-DNA position 1448, A replaced by G.
Molecular consequence: intron variant.
Genome position (GRCh38, 1-based): chr11:32,389,183, T>C on the plus strand (A>G on the coding strand, the complement: WT1 is on the minus strand). VCF-style: chr11-32389183-T-C. GRCh37 (hg19) VCF-style: chr11-32410729-T-C.
Other names: c.1274-4A>G (NM_001407050.1); c.1316-4A>G (NM_001407047.1); c.1307-4A>G (NM_001407048.1); c.1304-4A>G (NM_001407049.1); c.1388-4A>G (NM_000378.6); c.1397-4A>G (NM_001407045.1); c.1433-4A>G (NM_001407044.1); c.1355-4A>G (NM_001407046.1); and 9 more.
Identifiers: ClinVar variation 4789197 (VCV004789197.1).
Genomic context (GRCh38, chr11:32,389,183, plus strand): 5'-CTGACCGGGCAAACTTTTTCTGACAACTTGGCCACCGACAGCTGAAGGGCTTTTCACCTG[T>C]TGACACAATTGCCAGTCAGAGACACTTGCAACAAAGAGACAGGCACAAGTTCAACTATCA-3'

ClinVar aggregate classification (germline): Uncertain significance (1 of 4 stars; one submission).

Conditions:
Wilms tumor 1 (WT1). Also called: Wilms tumor, somatic. Identifiers: Orphanet 654, MedGen CN033288, MONDO:0008679, OMIM 194070.
11p partial monosomy syndrome (WAGR). Also called: CHROMOSOME 11p13 DELETION SYNDROME; WAGR syndrome; WAGR Complex; WAGR Spectrum Disorder. Identifiers: Orphanet 893, MedGen C0206115, MONDO:0008681, OMIM 194072.
Frasier syndrome. Identifiers: Orphanet 347, MedGen C0950122, MeSH D052159, MONDO:0007635, OMIM 136680.
Drash syndrome (DDS). Also called: NEPHROPATHY, WILMS TUMOR, AND GENITAL ANOMALIES; WILMS TUMOR AND PSEUDO- OR TRUE HERMAPHRODITISM. Identifiers: Orphanet 220, MedGen C0950121, MONDO:0008682, OMIM 194080.

gnomAD v4.1: 3 of 1,613,888 alleles (0.00019%); highest among the groups gnomAD compares: African/African-American, 0.0013%; no homozygotes.

Submission:

Labcorp Genetics (formerly Invitae), Labcorp
Classification: Uncertain significance for Wilms tumor 1; Drash syndrome; 11p partial monosomy syndrome; Frasier syndrome. Last evaluated: 2025-06-30. Review status: criteria provided, single submitter. Criteria: Invitae Variant Classification Sherloc (09022015). Collection method: clinical testing. Allele origin: germline.
Comment: This sequence change falls in intron 9 of the WT1 gene. It does not directly change the encoded amino acid sequence of the WT1 protein. This variant is not present in population databases (gnomAD no frequency). This variant has not been reported in the literature in individuals affected with WT1-related conditions. Algorithms developed to predict the effect of sequence changes on RNA splicing suggest that this variant may disrupt the consensus splice site. In summary, the available evidence is currently insufficient to determine the role of this variant in disease. Therefore, it has been classified as a Variant of Uncertain Significance.